The following is an entry in ClinVar:

NM_004329.3(BMPR1A):c.676-17dup

Gene: BMPR1A (bone morphogenetic protein receptor type 1A; plus strand). Cytogenetic location: 10q23.2.
Variant type: Duplication.
Coding change: c.676-17dup on transcript NM_004329.3 (MANE Select); 17 bases into the intron before coding-DNA position 676, one base duplicated (T; older notation c.676-17dupT).
Molecular consequence: intron variant.
Genome position (GRCh38, 1-based): chr10:86,917,117, T duplicated; the last of 4 consecutive T bases (chr10:86,917,114-86,917,117); duplicating any one gives the same sequence. VCF-style (leftmost placement, unchanged base first): chr10-86917113-C-CT. GRCh37 (hg19) VCF-style: chr10-88676870-C-CT.
Other names: c.724-17dup (NM_001406560.1); c.751-17dup (NM_001406559.1); c.676-23dup (NM_001406583.1); c.334-17dup (NM_001406589.1); c.592-17dup (NM_001406588.1, NM_001406587.1, NM_001406585.1 and 2 more transcripts); c.676-17dup (NM_001406562.1, NM_001406568.1, NM_001406567.1 and 19 more transcripts).
Identifiers: ClinVar variation 3378902 (VCV003378902.1).

ClinVar aggregate classification (germline): Benign (1 of 4 stars; one submission).

Conditions:
Juvenile polyposis syndrome (JPS). Identifiers: Orphanet 2929, MedGen C0345893, MONDO:0017380, OMIM 174900.

Submission:

Myriad Genetics, Inc.
Classification: Benign for Juvenile polyposis syndrome. Last evaluated: 2024-08-02. Review status: criteria provided, single submitter. Criteria: Myriad Autosomal Dominant, Autosomal Recessive and X-Linked Classification Criteria (2023). Collection method: clinical testing. Allele origin: unknown.
Comment: This variant is considered benign. This variant is intronic and is not expected to impact mRNA splicing.